The following is an entry in ClinVar:

ClinVar aggregate classification (germline): Pathogenic (1 of 4 stars; one submission).

Conditions:
GNPTAB-mucolipidosis. Also called: UDP-N-acetylglucosamine-1-phosphotransferase subunit alpha/beta deficiency. Identifiers: MedGen CN322573, MONDO:0100122.

Submission:

Myriad Genetics, Inc.
Classification: Pathogenic for GNPTAB-mucolipidosis. Last evaluated: 2026-09-01. Review status: criteria provided, single submitter. Criteria: Myriad Autosomal Dominant, Autosomal Recessive and X-Linked Classification Criteria (2023). Collection method: clinical testing. Allele origin: unknown.
Comment: NM_024312.4(GNPTAB):c.3234C>G(Y1078*) is expected to be pathogenic in the context of GNPTAB-related disorders. This variant is predicted to lead to an abnormal or absent protein product due to the creation of a premature termination codon in GNPTAB, a gene where loss-of-function variants are known to be pathogenic. Please note: this variant was assessed in the context of healthy population screening.

NM_024312.5(GNPTAB):c.3234C>G (p.Tyr1078Ter)

Gene: GNPTAB (N-acetylglucosamine-1-phosphate transferase subunits alpha and beta; minus strand). Cytogenetic location: 12q23.2.
Variant type: single nucleotide variant.
Coding change: c.3234C>G on transcript NM_024312.5 (MANE Select); coding-DNA position 3234, C replaced by G.
Protein change: p.Tyr1078Ter; replaces tyrosine 1078 with a stop codon.
Molecular consequence: nonsense.
Genome position (GRCh38, 1-based): chr12:101,760,045, G>C on the plus strand (C>G on the coding strand, the complement: GNPTAB is on the minus strand). VCF-style: chr12-101760045-G-C. GRCh37 (hg19) VCF-style: chr12-102153823-G-C.
Other names: short protein forms Y1078*.
Identifiers: ClinVar variation 5016307 (VCV005016307.1).